The following is an entry in ClinVar:

ClinVar aggregate classification (germline): Uncertain significance. Review status: criteria provided, multiple submitters, no conflicts (2 of 4 stars). 2 submissions from 2 submitters: Uncertain significance (2). Last evaluated 2025-12-03.

Conditions:
Cardiovascular phenotype. Identifiers: MedGen CN230736.
Catecholaminergic polymorphic ventricular tachycardia 1. Also called: RYR2-Related Catecholaminergic Polymorphic Ventricular Tachycardia; VENTRICULAR TACHYCARDIA, STRESS-INDUCED POLYMORPHIC 1; VENTRICULAR TACHYCARDIA, CATECHOLAMINERGIC POLYMORPHIC, 1, WITH OR WITHOUT ATRIAL DYSFUNCTION AND/OR DILATED CARDIOMYOPATHY. Identifiers: Orphanet 3286, MedGen C1631597, MONDO:0011484, OMIM 604772.

Allele frequency attached by ClinVar (database versions not stated): gnomAD exomes below 0.00001 and 0.00002; ExAC 0.00002; gnomAD 0.00003 and 0.00004.
gnomAD v4.1: 32 of 1,576,828 alleles (0.002%); highest among the groups gnomAD compares: Non-Finnish European, 0.0026%; no homozygotes.

Submissions (2):

Ambry Genetics
Classification: Uncertain significance for Cardiovascular phenotype. Last evaluated: 2025-12-03. Review status: criteria provided, single submitter. Criteria: Ambry Variant Classification Scheme 2023. Collection method: clinical testing. Allele origin: germline.

Labcorp Genetics (formerly Invitae), Labcorp
Classification: Uncertain significance for Catecholaminergic polymorphic ventricular tachycardia 1. Last evaluated: 2021-12-23. Review status: criteria provided, single submitter. Criteria: Invitae Variant Classification Sherloc (09022015). Collection method: clinical testing. Allele origin: germline.
Comment: This sequence change replaces aspartic acid, which is acidic and polar, with tyrosine, which is neutral and polar, at codon 118 of the TRDN protein (p.Asp118Tyr). The frequency data for this variant in the population databases is considered unreliable, as metrics indicate poor data quality at this position in the gnomAD database. This variant has not been reported in the literature in individuals affected with TRDN-related conditions. Algorithms developed to predict the effect of missense changes on protein structure and function are either unavailable or do not agree on the potential impact of this missense change (SIFT: "Deleterious"; PolyPhen-2: "Not Available"; Align-GVGD: "Class C0"). In summary, the available evidence is currently insufficient to determine the role of this variant in disease. Therefore, it has been classified as a Variant of Uncertain Significance.

NM_006073.4(TRDN):c.352G>T (p.Asp118Tyr)

Gene: TRDN (triadin; minus strand). Cytogenetic location: 6q22.31.
Variant type: single nucleotide variant.
Coding change: c.352G>T on transcript NM_006073.4 (MANE Select); coding-DNA position 352, G replaced by T.
Protein change: p.Asp118Tyr; replaces aspartic acid 118 with tyrosine.
Molecular consequence: missense variant.
Genome position (GRCh38, 1-based): chr6:123,548,493, C>A on the plus strand (G>T on the coding strand, the complement: TRDN is on the minus strand). VCF-style: chr6-123548493-C-A. GRCh37 (hg19) VCF-style: chr6-123869638-C-A.
Other names: c.352G>T, p.Asp118Tyr (NM_001251987.2, NM_001256020.2, NM_001256021.2 and 1 more transcripts); short protein forms D118Y.
Identifiers: ClinVar variation 1514494 (VCV001514494.10), dbSNP rs762075230, ClinGen allele CA3984414.